The following is an entry in ClinVar:

ClinVar aggregate classification (germline): Uncertain significance (1 of 4 stars; one submission).

Conditions:
Epidermolysis bullosa simplex with nail dystrophy (EBS5D). Identifiers: MedGen C4225309, MONDO:0014661, OMIM 616487.
Epidermolysis bullosa simplex, Ogna type (EBS5A). Also called: EPIDERMOLYSIS BULLOSA SIMPLEX 5A, OGNA TYPE; Pidermolysis bullosa simplex 5A, Ogna type. Identifiers: Orphanet 79401, MedGen C0432317, MONDO:0007555, OMIM 131950.
Autosomal recessive limb-girdle muscular dystrophy type 2Q (LGMDR17). Also called: MUSCULAR DYSTROPHY, LIMB-GIRDLE, AUTOSOMAL RECESSIVE 17. Identifiers: Orphanet 254361, MedGen C3150989, MONDO:0013390, OMIM 613723.
Epidermolysis bullosa simplex 5B, with muscular dystrophy (EBS5B). Also called: EPIDERMOLYSIS BULLOSA SIMPLEX AND LIMB-GIRDLE MUSCULAR DYSTROPHY; Epidermolysis bullosa simplex with muscular dystrophy. Identifiers: Orphanet 257, MedGen C2931072, MONDO:0009181, OMIM 226670.
Epidermolysis bullosa simplex 5C, with pyloric atresia (EBS5C). Also called: PLEC1-Related Epidermolysis Bullosa with Pyloric Atresia; PLEC-Related Epidermolysis Bullosa with Pyloric Atresia; Epidermolysis bullosa simplex with pyloric atresia. Identifiers: Orphanet 158684, MedGen C2677349, MONDO:0012807, OMIM 612138.

gnomAD v4.1: 14 of 1,612,982 alleles (0.00087%); highest among the groups gnomAD compares: Non-Finnish European, 0.0012%; no homozygotes.

Submission:

Labcorp Genetics (formerly Invitae), Labcorp
Classification: Uncertain significance for Autosomal recessive limb-girdle muscular dystrophy type 2Q; Epidermolysis bullosa simplex, Ogna type; Epidermolysis bullosa simplex with nail dystrophy; Epidermolysis bullosa simplex 5C, with pyloric atresia; Epidermolysis bullosa simplex 5B, with muscular dystrophy. Last evaluated: 2025-10-02. Review status: criteria provided, single submitter. Criteria: Invitae Variant Classification Sherloc (09022015). Collection method: clinical testing. Allele origin: germline.
Comment: This sequence change replaces serine, which is neutral and polar, with proline, which is neutral and non-polar, at codon 3473 of the PLEC protein (p.Ser3473Pro). This variant is present in population databases (rs782476476, gnomAD 0.002%). This variant has not been reported in the literature in individuals affected with PLEC-related conditions. ClinVar contains an entry for this variant (Variation ID: 3763181). Invitae Evidence Modeling of protein sequence and biophysical properties (such as structural, functional, and spatial information, amino acid conservation, physicochemical variation, residue mobility, and thermodynamic stability) indicates that this missense variant is not expected to disrupt PLEC protein function with a negative predictive value of 80%. In summary, the available evidence is currently insufficient to determine the role of this variant in disease. Therefore, it has been classified as a Variant of Uncertain Significance.

NM_201384.3(PLEC):c.10336T>C (p.Ser3446Pro)

Gene: PLEC (plectin; minus strand). Cytogenetic location: 8q24.3.
Variant type: single nucleotide variant.
Coding change: c.10336T>C on transcript NM_201384.3 (MANE Select); coding-DNA position 10336, T replaced by C.
Protein change: p.Ser3446Pro; replaces serine 3446 with proline.
Molecular consequence: missense variant.
Genome position (GRCh38, 1-based): chr8:143,919,485, A>G on the plus strand (T>C on the coding strand, the complement: PLEC is on the minus strand). VCF-style: chr8-143919485-A-G. GRCh37 (hg19) VCF-style: chr8-144993653-A-G.
Other names: c.7036T>C, p.Ser2346Pro (NM_001410941.1); c.10294T>C, p.Ser3432Pro (NM_201378.4); c.10270T>C, p.Ser3424Pro (NM_201379.3); c.10747T>C, p.Ser3583Pro (NM_201380.4); c.10240T>C, p.Ser3414Pro (NM_201381.3); c.10336T>C, p.Ser3446Pro (NM_201382.4); c.10348T>C, p.Ser3450Pro (NM_201383.3); c.10417T>C, p.Ser3473Pro (NM_000445.5); short protein forms S2346P, S3414P, S3424P, S3432P, S3446P, S3450P, S3473P, S3583P.
Identifiers: ClinVar variation 3763181 (VCV003763181.2).